The following is an entry in ClinVar:

ClinVar aggregate classification (germline): Benign/Likely benign. Review status: criteria provided, multiple submitters, no conflicts (2 of 4 stars). 2 submissions from 2 submitters: Benign (1); Likely benign (1). Last evaluated 2025-01-08.

Conditions:
Hereditary cancer-predisposing syndrome. Also called: Neoplastic Syndromes, Hereditary; Tumor predisposition; Hereditary Cancer Syndrome; Hereditary neoplastic syndrome. Identifiers: Orphanet 140162, MedGen C0027672, MeSH D009386, MONDO:0015356.
Lynch syndrome 5 (LYNCH5). Also called: Colorectal cancer, hereditary nonpolyposis, type 5; Hereditary non-polyposis colorectal cancer, type 5. Identifiers: Orphanet 144, MedGen C1833477, MONDO:0013710, OMIM 614350. Disease mechanism: loss of function.

Submissions (2):

Myriad Genetics, Inc.
Classification: Benign for Lynch syndrome 5. Last evaluated: 2025-01-08. Review status: criteria provided, single submitter. Criteria: Myriad Autosomal Dominant, Autosomal Recessive and X-Linked Classification Criteria (2023). Collection method: clinical testing. Allele origin: unknown.
Comment: This variant is considered benign. This variant is a silent/synonymous amino acid change and it is not expected to impact splicing.

Ambry Genetics
Classification: Likely benign for Hereditary cancer-predisposing syndrome. Last evaluated: 2020-03-16. Review status: criteria provided, single submitter. Criteria: Ambry Variant Classification Scheme 2023. Collection method: clinical testing. Allele origin: germline.

NM_000179.3(MSH6):c.3864A>G (p.Lys1288=)

Gene: MSH6 (mutS homolog 6; plus strand). Cytogenetic location: 2p16.3.
Variant type: single nucleotide variant.
Coding change: c.3864A>G on transcript NM_000179.3 (MANE Select); coding-DNA position 3864, A replaced by G.
Protein change: p.Lys1288=; no amino-acid change (lysine 1288 retained).
Molecular consequence: synonymous variant. On other transcripts: missense variant (1), non-coding transcript variant (5), intron variant (1).
Genome position (GRCh38, 1-based): chr2:47,806,514, A>G. VCF-style: chr2-47806514-A-G. GRCh37 (hg19) VCF-style: chr2-48033653-A-G.
Other names: c.3474A>G, p.Lys1158= (NM_001281492.2); c.2958A>G, p.Lys986= (NM_001281493.2, NM_001281494.2, NM_001406811.1 and 6 more transcripts); c.3960A>G, p.Lys1320= (NM_001406795.1); c.3864A>G, p.Lys1288= (NM_001406796.1, NM_001406808.1, NM_001406809.1); c.3567A>G, p.Lys1189= (NM_001406797.1, NM_001406801.1, NM_001406805.1 and 10 more transcripts); c.3690A>G, p.Lys1230= (NM_001406798.1); c.3339A>G, p.Lys1113= (NM_001406799.1, NM_001406806.1, NM_001406807.1); c.3851A>G, p.Asn1284Ser (NM_001406800.1); and 9 more; short protein forms N1284S.
Identifiers: ClinVar variation 1735630 (VCV001735630.3), dbSNP rs2104556837, ClinGen allele CA426122128.
Genomic context (GRCh38, chr2:47,806,514, plus strand): 5'-ATGCATGGTAGAAAATGAATGTGAAGACCCCAGCCAGGAGACTATTACGTTCCTCTATAA[A>G]TTCATTAAGGGAGCTTGTCCTAAAAGCTATGGCTTTAATGCAGCAAGGCTTGCTAATCTC-3'
Protein context (NP_000170.1, residues 1278-1298): PSQETITFLY[Lys1288=]FIKGACPKSY